The following is an entry in ClinVar:

NM_001164277.2(SLC37A4):c.857G>A (p.Arg286Gln)

Gene: SLC37A4 (solute carrier family 37 member 4; minus strand). Cytogenetic location: 11q23.3.
Variant type: single nucleotide variant.
Coding change: c.857G>A on transcript NM_001164277.2 (MANE Select); coding-DNA position 857, G replaced by A.
Protein change: p.Arg286Gln; replaces arginine 286 with glutamine.
Molecular consequence: missense variant.
Genome position (GRCh38, 1-based): chr11:119,026,616, C>T on the plus strand (G>A on the coding strand, the complement: SLC37A4 is on the minus strand). VCF-style: chr11-119026616-C-T. GRCh37 (hg19) VCF-style: chr11-118897326-C-T.
Other names: p.Arg286Gln; c.857G>A, p.Arg286Gln (NM_001164278.2, NM_001164280.2, NM_001467.6); c.638G>A, p.Arg213Gln (NM_001164279.2); c.857G>A (NM_001467.5); short protein forms R286Q, R213Q.
Identifiers: ClinVar variation 662077 (VCV000662077.41), dbSNP rs548684318, ClinGen allele CA6311715.
Genomic context (GRCh38, chr11:119,026,616, plus strand): 5'-AAGACTGAAAGGGACCCTTCTCCTTCCTGTCCCTTCTGCCCGCTCACCTTTGCCATGGCC[C>T]GGTCTGACAGGTAGCCAGCTGCGATGCTGCCTACAAGGCCCCCAACTTCCAGGGCACTCA-3'
Protein context (NP_001157749.1, residues 276-296): GSIAAGYLSD[Arg286Gln]AMAKAGLSNY

ClinVar aggregate classification (germline): Uncertain significance. Review status: criteria provided, multiple submitters, no conflicts (2 of 4 stars). 9 submissions from 9 submitters: Uncertain significance (6). 3 of the submissions do not count toward it. Last evaluated 2026-06-06.

Conditions:
Inborn genetic diseases. Identifiers: MedGen C0950123, MeSH D030342.
SLC37A4-related disorder. Also called: SLC37A4-related condition.
Glucose-6-phosphate transport defect (GSD1B). Also called: Glycogen Storage Disease Type Ib; GSD Ib. Identifiers: Orphanet 364, Orphanet 79259, MedGen C0268146, MONDO:0009288, OMIM 232220.

Allele frequency attached by ClinVar (database versions not stated): gnomAD 0.00018 and 0.00019; TOPMed 0.00018; gnomAD exomes 0.00022 and 0.00035; ExAC 0.00032.

Submissions (9):

PreventionGenetics, part of Exact Sciences
Classification: Uncertain significance for SLC37A4-related condition. Last evaluated: 2026-06-06. Review status: criteria provided, single submitter. Criteria: ACMG Guidelines, 2015. Collection method: clinical testing. Allele origin: germline.
Comment: The SLC37A4 c.857G>A variant is predicted to result in the amino acid substitution p.Arg286Gln. This variant has been reported in the heterozygous state in an individual with epigastric pain and elevated serum creatine kinase (CK) levels (Supplementary Table S1, Invernizzi et al. 2023. PubMed ID: 37510298) and an individual with early-onset epileptic encephalopathy and respiratory depression with presence of multiple variants in other genes (Supplementary Table 3, Rochtus et al. 2019. PubMed ID: 30709877). This variant is reported in 0.039% of alleles in individuals of European (Non-Finnish) descent in gnomAD. At this time, the clinical significance of this variant is uncertain due to the absence of conclusive functional and genetic evidence.

Mayo Clinic Laboratories, Mayo Clinic
Classification: Uncertain significance. Last evaluated: 2025-01-28. Review status: criteria provided, single submitter. Criteria: ACMG Guidelines, 2015. Collection method: clinical testing. Allele origin: germline. Observed: 2 variant alleles.

Labcorp Genetics (formerly Invitae), Labcorp
Classification: Uncertain significance for Glucose-6-phosphate transport defect. Last evaluated: 2024-12-24. Review status: criteria provided, single submitter. Criteria: Invitae Variant Classification Sherloc (09022015). Collection method: clinical testing. Allele origin: germline.
Comment: This sequence change replaces arginine, which is basic and polar, with glutamine, which is neutral and polar, at codon 286 of the SLC37A4 protein (p.Arg286Gln). This variant is present in population databases (rs548684318, gnomAD 0.04%). This missense change has been observed in individual(s) with SLC37A4-related conditions (PMID: 37510298). ClinVar contains an entry for this variant (Variation ID: 662077). Invitae Evidence Modeling of protein sequence and biophysical properties (such as structural, functional, and spatial information, amino acid conservation, physicochemical variation, residue mobility, and thermodynamic stability) indicates that this missense variant is not expected to disrupt SLC37A4 protein function with a negative predictive value of 80%. In summary, the available evidence is currently insufficient to determine the role of this variant in disease. Therefore, it has been classified as a Variant of Uncertain Significance.

Ambry Genetics
Classification: Uncertain significance for Inborn genetic diseases. Last evaluated: 2024-03-22. Review status: criteria provided, single submitter. Criteria: Ambry Variant Classification Scheme 2023. Collection method: clinical testing. Allele origin: germline.
Comment: The p.R286Q variant (also known as c.857G>A), located in coding exon 5 of the SLC37A4 gene, results from a G to A substitution at nucleotide position 857. The arginine at codon 286 is replaced by glutamine, an amino acid with highly similar properties. This amino acid position is conserved. In addition, this alteration is predicted to be deleterious by in silico analysis. Based on the available evidence, the clinical significance of this alteration remains unclear.

GeneDx
Classification: Uncertain significance. Last evaluated: 2022-08-22. Review status: criteria provided, single submitter. Criteria: GeneDx Variant Classification Process June 2021. Collection method: clinical testing. Allele origin: germline. Affected: yes.
Comment: In silico analysis supports that this missense variant has a deleterious effect on protein structure/function; Reported in a patient with early infantile epileptic encephalopathy, but zygosity and segregation information were not provided, and this patient was also reported to have multiple variants in other genes (Rochtus et al., 2019); This variant is associated with the following publications: (PMID: 30709877)

CeGaT Center for Human Genetics Tuebingen
Classification: Uncertain significance. Last evaluated: 2021-03-01. Review status: criteria provided, single submitter. Criteria: CeGaT Center For Human Genetics Tuebingen Variant Classification Criteria Version 2. Collection method: clinical testing. Allele origin: germline. Affected: yes. Observed: 1 variant allele.

Natera, Inc.
Classification: Uncertain significance for Glycogen storage disease type Ib. Last evaluated: 2020-04-16. Review status: no assertion criteria provided. Collection method: clinical testing. Allele origin: germline. Not counted in ClinVar's aggregate classification.

Clinical Genetics DNA and cytogenetics Diagnostics Lab, Erasmus MC, Erasmus Medical Center
Classification: Uncertain significance. Review status: no assertion criteria provided. Collection method: clinical testing. Allele origin: germline. Affected: yes. Study: VKGL Data-share Consensus. Not counted in ClinVar's aggregate classification.

Diagnostic Laboratory, Department of Genetics, University Medical Center Groningen
Classification: Uncertain significance. Review status: no assertion criteria provided. Collection method: clinical testing. Allele origin: germline. Affected: yes. Study: VKGL Data-share Consensus. Not counted in ClinVar's aggregate classification.

Literature cited by the submitters: PubMed 37510298 (cited by Mayo Clinic Laboratories, Mayo Clinic and Labcorp Genetics (formerly Invitae), Labcorp).